The following is an entry in ClinVar:

NM_001844.5(COL2A1):c.816+4A>C

Gene: COL2A1 (collagen type II alpha 1 chain; minus strand). Cytogenetic location: 12q13.11.
Variant type: single nucleotide variant.
Coding change: c.816+4A>C on transcript NM_001844.5 (MANE Select); 4 bases into the intron after coding-DNA position 816, A replaced by C.
Molecular consequence: intron variant.
Genome position (GRCh38, 1-based): chr12:47,994,420, T>G on the plus strand (A>C on the coding strand, the complement: COL2A1 is on the minus strand). VCF-style: chr12-47994420-T-G. GRCh37 (hg19) VCF-style: chr12-48388203-T-G.
Other names: c.609+4A>C (NM_033150.3).
Identifiers: ClinVar variation 1426324 (VCV001426324.7), dbSNP rs754219474, ClinGen allele CA6535776.

ClinVar aggregate classification (germline): Uncertain significance. Review status: criteria provided, multiple submitters, no conflicts (2 of 4 stars). 2 submissions from 2 submitters: Uncertain significance (2). Last evaluated 2026-05-13.

Allele frequency attached by ClinVar (database versions not stated): gnomAD exomes below 0.00001 and 0.00001; TOPMed below 0.00001; ExAC 0.00001.
gnomAD v4.1: 10 of 1,614,114 alleles (0.00062%); highest among the groups gnomAD compares: Non-Finnish European, 0.00076%; no homozygotes.

Submissions (2):

Women's Health and Genetics/Laboratory Corporation of America, LabCorp
Classification: Uncertain significance. Last evaluated: 2026-05-13. Review status: criteria provided, single submitter. Criteria: LabCorp Variant Classification Summary - May 2015. Collection method: clinical testing. Allele origin: germline.

Labcorp Genetics (formerly Invitae), Labcorp
Classification: Uncertain significance. Last evaluated: 2024-06-14. Review status: criteria provided, single submitter. Criteria: Invitae Variant Classification Sherloc (09022015). Collection method: clinical testing. Allele origin: germline.
Comment: This sequence change falls in intron 12 of the COL2A1 gene. It does not directly change the encoded amino acid sequence of the COL2A1 protein. It affects a nucleotide within the consensus splice site. This variant is present in population databases (rs754219474, gnomAD 0.0009%). This variant has not been reported in the literature in individuals affected with COL2A1-related conditions. ClinVar contains an entry for this variant (Variation ID: 1426324). Variants that disrupt the consensus splice site are a relatively common cause of aberrant splicing (PMID: 17576681, 9536098). Algorithms developed to predict the effect of sequence changes on RNA splicing suggest that this variant is not likely to affect RNA splicing. In summary, the available evidence is currently insufficient to determine the role of this variant in disease. Therefore, it has been classified as a Variant of Uncertain Significance.

Literature cited by the submitters: PubMed 17576681 (cited by Labcorp Genetics (formerly Invitae), Labcorp); PubMed 9536098 (cited by Labcorp Genetics (formerly Invitae), Labcorp).